The following is an entry in ClinVar:

NM_000369.5(TSHR):c.2098A>G (p.Lys700Glu)

Genes: TSHR (thyroid stimulating hormone receptor; plus strand), TSHR-AS1 (TSHR antisense RNA 1; minus strand). Cytogenetic location: 14q31.1.
Variant type: single nucleotide variant.
Coding change: c.2098A>G on transcript NM_000369.5 (MANE Select); coding-DNA position 2098, A replaced by G.
Protein change: p.Lys700Glu; replaces lysine 700 with glutamic acid.
Molecular consequence: missense variant.
Genome position (GRCh38, 1-based): chr14:81,144,156, A>G. VCF-style: chr14-81144156-A-G. GRCh37 (hg19) VCF-style: chr14-81610500-A-G.
Other names: short protein forms K700E.
Identifiers: ClinVar variation 2445363 (VCV002445363.6), dbSNP rs201306565, ClinGen allele CA7294578.

ClinVar aggregate classification (germline): Conflicting classifications of pathogenicity. Review status: criteria provided, conflicting classifications (1 of 4 stars). 3 submissions from 3 submitters: Uncertain significance (1); Benign (1); Likely benign (1). Last evaluated 2024-02-25.

Conditions:
Ovarian cancer. Also called: OVARIAN CANCER, SOMATIC. Identifiers: Orphanet 213500, MedGen C1140680, MONDO:0008170, OMIM 167000.

Allele frequency attached by ClinVar (database versions not stated): gnomAD exomes 0.00002; gnomAD 0.00005; TOPMed 0.00005; ExAC 0.00011; 1000 Genomes Project 30x 0.00016; 1000 Genomes Project 0.00020.
gnomAD v4.1: 39 of 1,614,142 alleles (0.0024%); highest among the groups gnomAD compares: East Asian, 0.08%; no homozygotes.

Submissions (3):

Labcorp Genetics (formerly Invitae), Labcorp
Classification: Likely benign. Last evaluated: 2024-02-25. Review status: criteria provided, single submitter. Criteria: Invitae Variant Classification Sherloc (09022015). Collection method: clinical testing. Allele origin: germline.

Women's Health and Genetics/Laboratory Corporation of America, LabCorp
Classification: Uncertain significance. Last evaluated: 2023-07-26. Review status: criteria provided, single submitter. Criteria: LabCorp Variant Classification Summary - May 2015. Collection method: clinical testing. Allele origin: germline.
Comment: Variant summary: TSHR c.2098A>G (p.Lys700Glu) results in a conservative amino acid change in the encoded protein sequence. Four of five in-silico tools predict a benign effect of the variant on protein function. The variant allele was found at a frequency of 0.00017 in 391440 control chromosomes (gnomAD, Tadaka_2021), predominantly at a frequency of 0.0017 within the East Asian subpopulation in the gnomAD database. c.2098A>G has been reported in the literature in individuals affected with Hypothyroidism without evidence for causality (Wang_2017, Long_2018, Zhang_2022). To our knowledge, no experimental evidence demonstrating an impact on protein function has been reported. The following publications have been ascertained in the context of this evaluation (PMID: 30022773, 28455095, 34374102, 33179747). One ClinVar submitter has assessed the variant since 2014, and classified the variant as benign. Based on the evidence outlined above, the variant was classified as uncertain significance.

Laboratory of Molecular Epidemiology of Birth Defects, West China Second University Hospital, Sichuan University
Classification: Benign for Ovarian cancer. Last evaluated: 2022-01-01. Review status: criteria provided, single submitter. Criteria: ACMG Guidelines, 2015. Collection method: clinical testing. Allele origin: germline. Affected: yes.

Literature cited by the submitters: PubMed 30022773 (cited by Women's Health and Genetics/Laboratory Corporation of America, LabCorp); PubMed 33179747 (cited by Women's Health and Genetics/Laboratory Corporation of America, LabCorp); PubMed 28455095 (cited by Women's Health and Genetics/Laboratory Corporation of America, LabCorp); PubMed 34374102 (cited by Women's Health and Genetics/Laboratory Corporation of America, LabCorp).